The following is an entry in ClinVar:

NM_014915.3(ANKRD26):c.-88G>T

Gene: ANKRD26 (ankyrin repeat domain 26; minus strand). Cytogenetic location: 10p12.1.
Variant type: single nucleotide variant.
Coding change: c.-88G>T on transcript NM_014915.3 (MANE Select); 88 bases upstream of the start codon, G replaced by T.
Molecular consequence: 5 prime UTR variant.
Genome position (GRCh38, 1-based): chr10:27,100,414, C>A on the plus strand (G>T on the coding strand, the complement: ANKRD26 is on the minus strand). VCF-style: chr10-27100414-C-A. GRCh37 (hg19) VCF-style: chr10-27389343-C-A.
Other names: c.-88G>T (NM_001256053.2).
Identifiers: ClinVar variation 2999897 (VCV002999897.3), dbSNP rs957607780, ClinGen allele CA204453805.
Genomic context (GRCh38, chr10:27,100,414, plus strand): 5'-CCTCATGTCTCTCTCGGCTCTTAACGGCCTCCGGAGCCCAACATAACAAGTCAGCCCCGG[C>A]TGGCCGCAGCCTCCCAAAGGAAACTCCGCGGTTTCCAATCTCTCCCTCCGGGTTACCAAG-3'

ClinVar aggregate classification (germline): Uncertain significance (1 of 4 stars; one submission).

Allele frequency attached by ClinVar (database versions not stated): 1000 Genomes Project 30x 0.00016.
gnomAD v4.1: 10 of 1,560,182 alleles (0.00064%); highest among the groups gnomAD compares: African/African-American, 0.011%; no homozygotes.

Submission:

Labcorp Genetics (formerly Invitae), Labcorp
Classification: Uncertain significance. Last evaluated: 2025-12-06. Review status: criteria provided, single submitter. Criteria: Invitae Variant Classification Sherloc (09022015). Collection method: clinical testing. Allele origin: germline.
Comment: This variant occurs in a non-coding region of the ANKRD26 gene. It does not change the encoded amino acid sequence of the ANKRD26 protein. This variant is not present in population databases (gnomAD no frequency). This variant has not been reported in the literature in individuals affected with ANKRD26-related conditions. ClinVar contains an entry for this variant (Variation ID: 2999897). In summary, the available evidence is currently insufficient to determine the role of this variant in disease. Therefore, it has been classified as a Variant of Uncertain Significance.